The following is an entry in ClinVar:

ClinVar aggregate classification (germline): Conflicting classifications of pathogenicity. Review status: criteria provided, conflicting classifications (1 of 4 stars). 2 submissions from 2 submitters: Uncertain significance (1); Likely benign (1). Last evaluated 2026-06-29.

Conditions:
Gorlin syndrome. Also called: Nevoid Basal Cell Carcinoma Syndrome; Basal cell nevus syndrome. Identifiers: Orphanet 377, MedGen C0004779, MONDO:0007187.
Hereditary cancer-predisposing syndrome. Also called: Hereditary Cancer Syndrome; Tumor predisposition; Hereditary neoplastic syndrome; Neoplastic Syndromes, Hereditary. Identifiers: Orphanet 140162, MedGen C0027672, MeSH D009386, MONDO:0015356.

Allele frequency attached by ClinVar (database versions not stated): gnomAD exomes below 0.00001.
gnomAD v4.1: 2 of 1,589,640 alleles (0.00013%); highest among the groups gnomAD compares: Non-Finnish European, 0.00017%; no homozygotes.

Submissions (2):

Ambry Genetics
Classification: Likely benign for Hereditary cancer-predisposing syndrome. Last evaluated: 2026-06-29. Review status: criteria provided, single submitter. Criteria: Ambry Variant Classification Scheme 2023. Collection method: clinical testing. Allele origin: germline.

Labcorp Genetics (formerly Invitae), Labcorp
Classification: Uncertain significance for Gorlin syndrome. Last evaluated: 2019-10-19. Review status: criteria provided, single submitter. Criteria: Invitae Variant Classification Sherloc (09022015). Collection method: clinical testing. Allele origin: germline.
Comment: This variant has not been reported in the literature in individuals with PTCH1-related disease. In summary, the available evidence is currently insufficient to determine the role of this variant in disease. Therefore, it has been classified as a Variant of Uncertain Significance. Algorithms developed to predict the effect of missense changes on protein structure and function output the following: SIFT: "Tolerated"; PolyPhen-2: "Benign"; Align-GVGD: "Class C0". The alanine amino acid residue is found in multiple mammalian species, suggesting that this missense change does not adversely affect protein function. These predictions have not been confirmed by published functional studies and their clinical significance is uncertain. This variant is not present in population databases (ExAC no frequency). This sequence change replaces threonine with alanine at codon 1214 of the PTCH1 protein (p.Thr1214Ala). The threonine residue is weakly conserved and there is a small physicochemical difference between threonine and alanine.

NM_000264.5(PTCH1):c.3640A>G (p.Thr1214Ala)

Gene: PTCH1 (patched 1; minus strand). Cytogenetic location: 9q22.32.
Variant type: single nucleotide variant.
Coding change: c.3640A>G on transcript NM_000264.5 (MANE Select); coding-DNA position 3640, A replaced by G.
Protein change: p.Thr1214Ala; replaces threonine 1214 with alanine.
Molecular consequence: missense variant. On other transcripts: non-coding transcript variant (1).
Genome position (GRCh38, 1-based): chr9:95,449,233, T>C on the plus strand (A>G on the coding strand, the complement: PTCH1 is on the minus strand). VCF-style: chr9-95449233-T-C. GRCh37 (hg19) VCF-style: chr9-98211515-T-C.
Other names: c.3442A>G, p.Thr1148Ala (NM_001083602.3); c.3637A>G, p.Thr1213Ala (NM_001083603.3); c.3187A>G, p.Thr1063Ala (NM_001083604.3, NM_001083605.3, NM_001083606.3 and 1 more transcripts); c.3484A>G, p.Thr1162Ala (NM_001354918.2); short protein forms T1214A, T1148A, T1162A, T1063A, T1213A.
Identifiers: ClinVar variation 566462 (VCV000566462.13), dbSNP rs1564008713, ClinGen allele CA374111244.